The following is an entry in ClinVar:

NM_000521.4(HEXB):c.825del (p.Ile275fs)

Gene: HEXB (hexosaminidase subunit beta; plus strand). Cytogenetic location: 5q13.3.
Variant type: Deletion.
Coding change: c.825del on transcript NM_000521.4 (MANE Select); coding-DNA position 825, one base deleted (T; older notation c.825delT).
Protein change: p.Ile275fs; shifts the reading frame from isoleucine 275.
Molecular consequence: frameshift variant.
Genome position (GRCh38, 1-based): chr5:74,713,559, T deleted; the last of 2 consecutive T bases (chr5:74,713,558-74,713,559); deleting either gives the same sequence. VCF-style (leftmost placement, unchanged base first): chr5-74713557-AT-A. GRCh37 (hg19) VCF-style: chr5-74009382-AT-A.
Other names: c.825del (NM_000521.3); c.825delT (NM_000521.3); c.150del, p.Ile50fs (NM_001292004.2); short protein forms I50fs, I275fs.
Identifiers: ClinVar variation 554601 (VCV000554601.3), dbSNP rs1554036523, ClinGen allele CA658822009.

ClinVar aggregate classification (germline): Likely pathogenic. Review status: criteria provided, single submitter (1 of 4 stars). 2 submissions from 2 submitters: Likely pathogenic (1). 1 of the submissions does not count toward it. Last evaluated 2024-06-25.

Conditions:
Sandhoff disease. Also called: GM2-GANGLIOSIDOSIS, TYPE II; HEXOSAMINIDASES A AND B DEFICIENCY; Beta-hexosaminidase-beta-subunit deficiency; GM2 gangliosidosis, type 2; Total hexosaminidase deficiency; Sandhoff-Jatzkewitz-Pilz disease. Identifiers: Orphanet 796, MedGen C0036161, MONDO:0010006, OMIM 268800.

Submissions (2):

GeneDx
Classification: Likely pathogenic. Last evaluated: 2024-06-25. Review status: criteria provided, single submitter. Criteria: GeneDx Variant Classification Process June 2021. Collection method: clinical testing. Allele origin: germline. Affected: yes.
Comment: Frameshift variant predicted to result in protein truncation or nonsense mediated decay in a gene for which loss of function is a known mechanism of disease; Not observed at significant frequency in large population cohorts (gnomAD); Identified as heterozygous in a patient evaluated for carrier status (PMID: 21228398); This variant is associated with the following publications: (PMID: 21228398)

Counsyl
Classification: Likely pathogenic for Sandhoff disease. Last evaluated: 2017-10-27. Review status: no assertion criteria provided. Collection method: clinical testing. Allele origin: unknown. Not counted in ClinVar's aggregate classification.